The following is an entry in ClinVar:

ClinVar aggregate classification (germline): Likely benign. Review status: criteria provided, single submitter (1 of 4 stars). 2 submissions from 2 submitters: Likely benign (1). 1 of the submissions does not count toward it. Last evaluated 2026-01-03.

Conditions:
YWHAE-related disorder. Also called: YWHAE-related condition.

Allele frequency attached by ClinVar (database versions not stated): ExAC 0.00003; gnomAD 0.00007; ESP Exome Variant Server 0.00008; gnomAD exomes 0.00007; TOPMed 0.00006.
gnomAD v4.1: 112 of 1,602,958 alleles (0.007%); highest among the groups gnomAD compares: Non-Finnish European, 0.0082%; no homozygotes.

Submissions (2):

Labcorp Genetics (formerly Invitae), Labcorp
Classification: Likely benign. Last evaluated: 2026-01-03. Review status: criteria provided, single submitter. Criteria: Invitae Variant Classification Sherloc (09022015). Collection method: clinical testing. Allele origin: germline.

PreventionGenetics, part of Exact Sciences
Classification: Likely benign for YWHAE-related condition. Last evaluated: 2024-02-13. Review status: no assertion criteria provided. Collection method: clinical testing. Allele origin: germline. Not counted in ClinVar's aggregate classification.
Comment: This variant is classified as likely benign based on ACMG/AMP sequence variant interpretation guidelines (Richards et al. 2015 PMID: 25741868, with internal and published modifications).

NM_006761.5(YWHAE):c.301C>T (p.Leu101=)

Gene: YWHAE (tyrosine 3-monooxygenase/tryptophan 5-monooxygenase activation protein epsilon; minus strand). Cytogenetic location: 17p13.3.
Variant type: single nucleotide variant.
Coding change: c.301C>T on transcript NM_006761.5 (MANE Select); coding-DNA position 301, C replaced by T.
Protein change: p.Leu101=; no amino-acid change (leucine 101 retained).
Molecular consequence: synonymous variant. On other transcripts: non-coding transcript variant (1).
Genome position (GRCh38, 1-based): chr17:1,361,972, G>A on the plus strand (C>T on the coding strand, the complement: YWHAE is on the minus strand). VCF-style: chr17-1361972-G-A. GRCh37 (hg19) VCF-style: chr17-1265266-G-A.
Identifiers: ClinVar variation 3045237 (VCV003045237.4), dbSNP rs376683623, ClinGen allele CA8266224.